The following is an entry in ClinVar:

ClinVar aggregate classification (germline): Likely benign. Review status: criteria provided, multiple submitters, no conflicts (2 of 4 stars). 2 submissions from 2 submitters: Likely benign (2). Last evaluated 2023-03-01.

Allele frequency attached by ClinVar (database versions not stated): 1000 Genomes Project 30x 0.00047; 1000 Genomes Project 0.00060; TOPMed 0.00151; gnomAD 0.00192 and 0.00198; gnomAD exomes 0.00196; ExAC 0.00236; ESP Exome Variant Server 0.00292.
gnomAD v4.1: 4,214 of 1,614,140 alleles (0.26%); highest among the groups gnomAD compares: Non-Finnish European, 0.3%; 12 homozygotes.

Submissions (2):

CeGaT Center for Human Genetics Tuebingen
Classification: Likely benign. Last evaluated: 2023-03-01. Review status: criteria provided, single submitter. Criteria: CeGaT Center For Human Genetics Tuebingen Variant Classification Criteria Version 2. Collection method: clinical testing. Allele origin: germline. Affected: yes. Observed: 2 variant alleles.
Comment: CKM: BS2

Labcorp Genetics (formerly Invitae), Labcorp
Classification: Likely benign. Last evaluated: 2018-03-05. Review status: criteria provided, single submitter. Criteria: Invitae Variant Classification Sherloc (09022015). Collection method: clinical testing. Allele origin: germline.

NM_001824.5(CKM):c.752G>C (p.Arg251Pro)

Gene: CKM (creatine kinase, M-type; minus strand). Cytogenetic location: 19q13.32.
Variant type: single nucleotide variant.
Coding change: c.752G>C on transcript NM_001824.5 (MANE Select); coding-DNA position 752, G replaced by C.
Protein change: p.Arg251Pro; replaces arginine 251 with proline.
Molecular consequence: missense variant.
Genome position (GRCh38, 1-based): chr19:45,308,434, C>G on the plus strand (G>C on the coding strand, the complement: CKM is on the minus strand). VCF-style: chr19-45308434-C-G. GRCh37 (hg19) VCF-style: chr19-45811692-C-G.
Other names: short protein forms R251P.
Identifiers: ClinVar variation 710253 (VCV000710253.45), dbSNP rs149354459, ClinGen allele CA9511635.
Genomic context (GRCh38, chr19:45,308,434, plus strand): 5'-GAGTCAGAAGTCAGCAGCTAAGGGCAGACACCCACCTTCTGCAGCCCTACGCAGAAGCGG[C>G]GGAAAACCTCCTTCATGTTGCCCCCCTTCTCCATGGAGATGACCCGGAGGTGATCCTCCT-3'
Protein context (NP_001815.2, residues 241-261): EKGGNMKEVF[Arg251Pro]RFCVGLQKIE